The following is an entry in ClinVar:

NM_000355.4(TCN2):c.401del (p.Phe134fs)

Gene: TCN2 (transcobalamin 2; plus strand). Cytogenetic location: 22q12.2.
Variant type: Deletion.
Coding change: c.401del on transcript NM_000355.4 (MANE Select); coding-DNA position 401, one base deleted (T; older notation c.401delT).
Protein change: p.Phe134fs; shifts the reading frame from phenylalanine 134.
Molecular consequence: frameshift variant. On other transcripts: intron variant (1).
Genome position (GRCh38, 1-based): chr22:30,613,016, T deleted; the last of 2 consecutive T bases (chr22:30,613,015-30,613,016); deleting either gives the same sequence. VCF-style (leftmost placement, unchanged base first): chr22-30613014-GT-G. GRCh37 (hg19) VCF-style: chr22-31009001-GT-G.
Other names: c.346+55del (NM_001184726.2); short protein forms F134fs.
Identifiers: ClinVar variation 3605996 (VCV003605996.2).
Genomic context (GRCh38, chr22:30,613,014, plus strand): 5'-AGCCAACTGTGAGTTTGTCAGGGGCCACAAGGGGGACAGGCTGGTCTCACAGCTCAAATG[GT>G]TCCTGGAGGATGAGAAGAGAGCCATTGGTGAGCAGACACCATCCGCTGGGGGTGGGGAGC-3'

ClinVar aggregate classification (germline): Pathogenic (1 of 4 stars; one submission).

Conditions:
Transcobalamin II deficiency (TCN2D). Also called: TC II DEFICIENCY; TCN2 DEFICIENCY; Transcolabamin II deficiency. Identifiers: Orphanet 859, MedGen C0342701, MONDO:0010149, OMIM 275350.

Submission:

Labcorp Genetics (formerly Invitae), Labcorp
Classification: Pathogenic for Transcobalamin II deficiency. Last evaluated: 2025-02-03. Review status: criteria provided, single submitter. Criteria: Invitae Variant Classification Sherloc (09022015). Collection method: clinical testing. Allele origin: germline.
Comment: This sequence change creates a premature translational stop signal (p.Phe134Serfs*73) in the TCN2 gene. It is expected to result in an absent or disrupted protein product. Loss-of-function variants in TCN2 are known to be pathogenic (PMID: 7980584, 20352340). This variant is present in population databases (rs765479016, gnomAD 0.002%). This variant has not been reported in the literature in individuals affected with TCN2-related conditions. Algorithms developed to predict the effect of sequence changes on RNA splicing suggest that this variant may disrupt the consensus splice site. For these reasons, this variant has been classified as Pathogenic.

Literature cited by the submitters: PubMed 7980584; PubMed 20352340.